The following is an entry in ClinVar:

ClinVar aggregate classification (germline): Uncertain significance (1 of 4 stars; one submission).

Conditions:
3MC syndrome 2. Also called: OCULO-SKELETAL-ABDOMINAL SYNDROME; OSA SYNDROME; PTOSIS OF EYELIDS WITH DIASTASIS RECTI AND HIP DYSPLASIA. Identifiers: Orphanet 293843, MedGen C0796279, MONDO:0009927, OMIM 265050.

Allele frequency attached by ClinVar (database versions not stated): TOPMed 0.00002.
gnomAD v4.1: 6 of 1,614,104 alleles (0.00037%); highest among the groups gnomAD compares: East Asian, 0.0045%; no homozygotes.

Submission:

Center for Genomics, Ann and Robert H. Lurie Children's Hospital of Chicago
Classification: Uncertain significance for 3MC syndrome 2. Last evaluated: 2021-03-30. Review status: criteria provided, single submitter. Criteria: ACMG Guidelines, 2015. Collection method: clinical testing. Allele origin: germline.
Comment: COLEC11 NM_024027.4 exon 2 p.Val10Phe (c.28G>T): This variant has not been reported in the literature but is present in 0.0001% (1/129162) of European alleles in the Genome Aggregation Database. Evolutionary conservation and computational predictive tools suggest that this variant may not impact the protein. In summary, data on this variant is insufficient for disease classification. Therefore, the clinical significance of this variant is uncertain.

NM_024027.5(COLEC11):c.28G>T (p.Val10Phe)

Gene: COLEC11 (collectin subfamily member 11; plus strand). Cytogenetic location: 2p25.3.
Variant type: single nucleotide variant.
Coding change: c.28G>T on transcript NM_024027.5 (MANE Select); coding-DNA position 28, G replaced by T.
Protein change: p.Val10Phe; replaces valine 10 with phenylalanine.
Molecular consequence: missense variant. On other transcripts: 5 prime UTR variant (1), non-coding transcript variant (1).
Genome position (GRCh38, 1-based): chr2:3,604,368, G>T. VCF-style: chr2-3604368-G-T. GRCh37 (hg19) VCF-style: chr2-3651958-G-T.
Other names: c.28G>T, p.Val10Phe (NM_001255982.2, NM_001255983.2, NM_001255984.2); c.70G>T, p.Val24Phe (NM_001255985.1); c.-61G>T (NM_199235.3); short protein forms V10F, V24F.
Identifiers: ClinVar variation 992511 (VCV000992511.2), dbSNP rs147362981, ClinGen allele CA41521625.
Genomic context (GRCh38, chr2:3,604,368, plus strand): 5'-TGTGTAGGAGTTGGTGTCCTGCCTGCGCTCAGGATGAGGGGGAATCTGGCCCTGGTGGGC[G>T]TTCTAATCAGCCTGGCCTTCCTGTCACTGCTGCCATCTGGACATCCTCAGCCGGCTGGCG-3'
Protein context (NP_076932.1, residues 1-20): MRGNLALVG[Val10Phe]LISLAFLSLL